The following is an entry in ClinVar:

NM_020686.6(ABAT):c.*512G>A

Gene: ABAT (4-aminobutyrate aminotransferase; plus strand). Cytogenetic location: 16p13.2.
Variant type: single nucleotide variant.
Coding change: c.*512G>A on transcript NM_020686.6 (MANE Select); 512 bases downstream of the stop codon, G replaced by A.
Molecular consequence: 3 prime UTR variant.
Genome position (GRCh38, 1-based): chr16:8,781,942, G>A. VCF-style: chr16-8781942-G-A. GRCh37 (hg19) VCF-style: chr16-8875799-G-A.
Other names: c.*512G>A (NM_000663.5, NM_001127448.2, NM_001386600.1 and 14 more transcripts); c.*526G>A (NM_001386609.1, NM_001386616.1).
Identifiers: ClinVar variation 321104 (VCV000321104.6), dbSNP rs3743798, ClinGen allele CA10644437.
Genomic context (GRCh38, chr16:8,781,942, plus strand): 5'-ACACTCTCACCTCCTCTCCCAGCCTCCCGGAGCTCTGAGCACGCCCCACGCATGGTGCAG[G>A]AGGGACTGGACAGATCTGAGGAAGGCCGTAAAATGGGGACAGGAGGATTCAGCTCAGGAG-3'

ClinVar aggregate classification (germline): Benign. Review status: criteria provided, multiple submitters, no conflicts (2 of 4 stars). 2 submissions from 2 submitters: Benign (2). Last evaluated 2018-01-12.

Conditions:
Gamma-aminobutyric acid transaminase deficiency (GABATD). Also called: GABA aminotransaminase deficiency; GABA transaminase deficiency; Gamma aminobutyrate transaminase deficiency; 4 alpha aminobutyrate transaminase deficiency. Identifiers: Orphanet 2066, MedGen C0342708, MONDO:0013166, OMIM 613163.

Allele frequency attached by ClinVar (database versions not stated): 1000 Genomes Project 30x 0.36836; 1000 Genomes Project 0.37121; TOPMed 0.38894; gnomAD 0.39781 and 0.40062; gnomAD exomes 0.45894.
gnomAD v4.1: 121,652 of 284,430 alleles (43%); highest among the groups gnomAD compares: Non-Finnish European, 47%; 26,244 homozygotes.

Submissions (2):

Illumina Laboratory Services, Illumina
Classification: Benign for Gamma-aminobutyric acid transaminase deficiency. Last evaluated: 2018-01-12. Review status: criteria provided, single submitter. Criteria: ICSL Variant Classification Criteria 13 December 2019. Collection method: clinical testing. Allele origin: germline.
Comment: This variant was observed in the ICSL laboratory as part of a predisposition screen in an ostensibly healthy population. It had not been previously curated by ICSL or reported in the Human Gene Mutation Database (HGMD: prior to June 1st, 2018), and was therefore a candidate for classification through an automated scoring system. Utilizing variant allele frequency, disease prevalence and penetrance estimates, and inheritance mode, an automated score was calculated to assess if this variant is too frequent to cause the disease. Based on the score and internal cut-off values, a variant classified as benign is not then subjected to further curation. The score for this variant resulted in a classification of benign for this disease.

Breakthrough Genomics
Classification: Benign. Review status: criteria provided, single submitter. Criteria: ACMG Guidelines, 2015. Collection method: not provided. Allele origin: germline. Inheritance: Autosomal recessive inheritance. Affected: yes.